The following is an entry in ClinVar:

NC_000009.11:g.(?_77397258)_(77403678_?)del

Gene: TRPM6 (transient receptor potential cation channel subfamily M member 6; minus strand). Cytogenetic location: 9q21.13.
Variant type: Deletion.
Identifiers: ClinVar variation 2426340 (VCV002426340.4).

ClinVar aggregate classification (germline): Pathogenic (1 of 4 stars; one submission).

Submission:

Labcorp Genetics (formerly Invitae), Labcorp
Classification: Pathogenic. Last evaluated: 2022-10-12. Review status: criteria provided, single submitter. Criteria: Invitae Variant Classification Sherloc (09022015). Collection method: clinical testing. Allele origin: germline.
Comment: For these reasons, this variant has been classified as Pathogenic. This variant has not been reported in the literature in individuals affected with TRPM6-related conditions. This variant is a gross deletion of the genomic region encompassing exon(s) 20-23 of the TRPM6 gene. This deletion is out-of-frame, and is expected to create a premature termination codon and result in an absent or disrupted protein product. Loss-of-function variants in TRPM6 are known to be pathogenic (PMID: 16107578).

Literature cited by the submitters: PubMed 16107578.